The following is an entry in ClinVar:

NM_020699.4(GATAD2B):c.365C>G (p.Ser122Ter)

Gene: GATAD2B (GATA zinc finger domain containing 2B; minus strand). Cytogenetic location: 1q21.3.
Variant type: single nucleotide variant.
Coding change: c.365C>G on transcript NM_020699.4 (MANE Select); coding-DNA position 365, C replaced by G.
Protein change: p.Ser122Ter; replaces serine 122 with a stop codon.
Molecular consequence: nonsense.
Genome position (GRCh38, 1-based): chr1:153,819,706, G>C on the plus strand (C>G on the coding strand, the complement: GATAD2B is on the minus strand). VCF-style: chr1-153819706-G-C. GRCh37 (hg19) VCF-style: chr1-153792182-G-C.
Other names: short protein forms S122*.
Identifiers: ClinVar variation 981465 (VCV000981465.2), dbSNP rs1674609315, ClinGen allele CA342535790.

ClinVar aggregate classification (germline): Pathogenic (1 of 4 stars; one submission).

Conditions:
Severe intellectual disability-poor language-strabismus-grimacing face-long fingers syndrome (GAND). Also called: GAND SYNDROME. Identifiers: Orphanet 363686, MedGen C3554448, MONDO:0014034, OMIM 615074.

Submission:

Institute for Genomic Statistics and Bioinformatics, University Hospital Bonn
Classification: Pathogenic for Severe intellectual disability-poor language-strabismus-grimacing face-long fingers syndrome. Review status: criteria provided, single submitter. Criteria: ACMG Guidelines, 2015. Collection method: clinical testing. Allele origin: de novo. Inheritance: Autosomal dominant inheritance. Affected: yes. Observed: 1 heterozygote.
Comment: PVS1, PS2, PM2